The following is an entry in ClinVar:

NM_033380.3(COL4A5):c.3761C>T (p.Pro1254Leu)

Gene: COL4A5 (collagen type IV alpha 5 chain; plus strand). Cytogenetic location: Xq22.3.
Variant type: single nucleotide variant.
Coding change: c.3761C>T on transcript NM_033380.3 (MANE Select); coding-DNA position 3761, C replaced by T.
Protein change: p.Pro1254Leu; replaces proline 1254 with leucine.
Molecular consequence: missense variant.
Genome position (GRCh38, 1-based): chrX:108,668,475, C>T. VCF-style: chrX-108668475-C-T. GRCh37 (hg19) VCF-style: chrX-107911705-C-T.
Other names: c.3761C>T, p.Pro1254Leu (NM_000495.5); short protein forms P1254L.
Identifiers: ClinVar variation 4796560 (VCV004796560.1).

ClinVar aggregate classification (germline): Uncertain significance (1 of 4 stars; one submission).

Conditions:
X-linked Alport syndrome (ATS1). Also called: COL4A5-Related Nephropathy; NEPHROPATHY AND DEAFNESS, X-LINKED. Identifiers: Orphanet 63, Orphanet 88917, MedGen C4746986, MONDO:0010520, OMIM 301050.

Submission:

Juno Genomics, Hangzhou Juno Genomics, Inc
Classification: Uncertain significance for X-linked Alport syndrome. Review status: criteria provided, single submitter. Criteria: ACMG Guidelines, 2015. Collection method: clinical testing. Allele origin: germline. Affected: yes.
Comment: Absent from controls (or at extremely low frequency if recessive) in Genome Aggregation Database, Exome Sequencing Project, 1000 Genomes Project, or Exome Aggregation Consortium.;Multiple lines of computational evidence support a deleterious effect on the gene or gene product (conservation, evolutionary, splicing impact, etc).